The following is an entry in ClinVar:

ClinVar aggregate classification (germline): Pathogenic/Likely pathogenic. Review status: criteria provided, multiple submitters, no conflicts (2 of 4 stars). 3 submissions from 3 submitters: Pathogenic (2); Likely pathogenic (1). Last evaluated 2025-02-12.

Conditions:
X-linked Alport syndrome (ATS1). Also called: COL4A5-Related Nephropathy; NEPHROPATHY AND DEAFNESS, X-LINKED. Identifiers: Orphanet 63, Orphanet 88917, MedGen C4746986, MONDO:0010520, OMIM 301050.

Submissions (3):

Victorian Clinical Genetics Services, Murdoch Childrens Research Institute
Classification: Pathogenic for X-linked Alport syndrome. Last evaluated: 2025-02-12. Review status: criteria provided, single submitter. Criteria: ACMG Guidelines, 2015. Collection method: clinical testing. Allele origin: germline. Affected: yes.
Comment: This variant is classified as Pathogenic. Evidence in support of pathogenic classification: Variant is absent from gnomAD (v2, v3 and v4); This variant has limited previous evidence of pathogenicity in an unrelated individual(s). This variant has been classified as pathogenic by a clinical laboratory in ClinVar; Other missense variant(s) comparable to the one identified in this case have strong previous evidence for pathogenicity. p.(Gly603Val), p.(Gly603Arg), p.(Gly603Cys) and p.(Gly603Ser) have been classified as pathogenic/likely pathogenic by clinical laboratories in ClinVar; Variant is located in the well-established triple helical G-X-Y repeat region and affects a glycine residue (DECIPHER); Missense variant predicted to be damaging by in silico tool(s) or highly conserved with a major amino acid change. Additional information: Variant is predicted to result in a missense amino acid change from glycine to aspartic acid; This variant is heterozygous; This gene is associated with X-linked dominant disease. Males are typically more severely affected than females (PMID: 19965530); No published segregation evidence has been identified for this variant; No published functional evidence has been identified for this variant; Dominant negative and loss of function are known mechanisms of disease in this gene and are associated with X-linked Alport syndrome 1 (MIM#301050). Dominant negative is caused mostly by glycine substitutions that affect the conformation of the protein, and loss of function can be caused by either protein truncating or missense variants (PMID: 24046192, 12028435); Variants in this gene are known to have variable expressivity. There is intrafamilial variability among affected carrier females, possibly due to variable X-inactivation (PMID: 14514738); Inheritance information for this variant is not currently available in this individual.

3billion
Classification: Likely pathogenic for X-linked Alport syndrome. Last evaluated: 2024-07-17. Review status: criteria provided, single submitter. Criteria: ACMG Guidelines, 2015. Collection method: clinical testing. Allele origin: germline. Affected: yes.
Comment: The variant is not observed in the gnomAD v4.0.0 dataset. Predicted Consequence/Location: Missense variant In silico tool predictions suggest damaging effect of the variant on gene or gene product [REVEL: 0.97 (>=0.6, sensitivity 0.68 and specificity 0.92); 3Cnet: 0.89 (>=0.6, sensitivity 0.72 and precision 0.9)]. The same nucleotide change resulting in the same amino acid change has been previously reported to be associated with COL4A5 related disorder (ClinVar ID: VCV001076952). Different missense changes at the same codon (p.Gly603Arg, p.Gly603Cys, p.Gly603Ser, p.Gly603Val) have been reported as pathogenic/likely pathogenic with strong evidence (ClinVar ID: VCV000807573, VCV001703357, VCV002138694 /PMID: 11223851, 20884774, 28780565, 28844315). Therefore, this variant is classified as Likely pathogenic according to the recommendation of ACMG/AMP guideline.

Labcorp Genetics (formerly Invitae), Labcorp
Classification: Pathogenic. Last evaluated: 2023-09-20. Review status: criteria provided, single submitter. Criteria: Invitae Variant Classification Sherloc (09022015). Collection method: clinical testing. Allele origin: germline.
Comment: For these reasons, this variant has been classified as Pathogenic. This variant disrupts the p.Gly603 amino acid residue in COL4A5. Other variant(s) that disrupt this residue have been observed in individuals with COL4A5-related conditions (PMID: 11223851, 28780565, 28844315, 30968591), which suggests that this may be a clinically significant amino acid residue. This variant disrupts the triple helix domain of COL4A5. Glycine residues within the Gly-Xaa-Yaa repeats of the triple helix domain are required for the structure and stability of fibrillar collagens (PMID: 7695699, 8218237, 19344236). In COL4A5, missense variants at these glycine residues are significantly enriched in individuals with disease (PMID: 23720012, 27627812) compared to the general population (ExAC). Advanced modeling of protein sequence and biophysical properties (such as structural, functional, and spatial information, amino acid conservation, physicochemical variation, residue mobility, and thermodynamic stability) performed at Invitae indicates that this missense variant is expected to disrupt COL4A5 protein function. ClinVar contains an entry for this variant (Variation ID: 1076952). This variant has not been reported in the literature in individuals affected with COL4A5-related conditions. This variant is not present in population databases (gnomAD no frequency). This sequence change replaces glycine, which is neutral and non-polar, with aspartic acid, which is acidic and polar, at codon 603 of the COL4A5 protein (p.Gly603Asp).

Literature cited by the submitters: PubMed 19965530 (cited by Victorian Clinical Genetics Services, Murdoch Childrens Research Institute); PubMed 24046192 (cited by Victorian Clinical Genetics Services, Murdoch Childrens Research Institute); PubMed 12028435 (cited by Victorian Clinical Genetics Services, Murdoch Childrens Research Institute); PubMed 14514738 (cited by Victorian Clinical Genetics Services, Murdoch Childrens Research Institute); PubMed 11223851 (cited by 3billion and Labcorp Genetics (formerly Invitae), Labcorp); PubMed 28780565 (cited by Labcorp Genetics (formerly Invitae), Labcorp); PubMed 28844315 (cited by Labcorp Genetics (formerly Invitae), Labcorp); PubMed 30968591 (cited by Labcorp Genetics (formerly Invitae), Labcorp); PubMed 7695699 (cited by Labcorp Genetics (formerly Invitae), Labcorp); PubMed 8218237 (cited by Labcorp Genetics (formerly Invitae), Labcorp); PubMed 19344236 (cited by Labcorp Genetics (formerly Invitae), Labcorp); PubMed 23720012 (cited by Labcorp Genetics (formerly Invitae), Labcorp); PubMed 27627812 (cited by Labcorp Genetics (formerly Invitae), Labcorp).

NM_033380.3(COL4A5):c.1808G>A (p.Gly603Asp)

Gene: COL4A5 (collagen type IV alpha 5 chain; plus strand). Cytogenetic location: Xq22.3.
Variant type: single nucleotide variant.
Coding change: c.1808G>A on transcript NM_033380.3 (MANE Select); coding-DNA position 1808, G replaced by A.
Protein change: p.Gly603Asp; replaces glycine 603 with aspartic acid.
Molecular consequence: missense variant.
Genome position (GRCh38, 1-based): chrX:108,598,730, G>A. VCF-style: chrX-108598730-G-A. GRCh37 (hg19) VCF-style: chrX-107841960-G-A.
Other names: c.1808G>A, p.Gly603Asp (NM_000495.5); short protein forms G603D.
Identifiers: ClinVar variation 1076952 (VCV001076952.12), dbSNP rs104886133, ClinGen allele CA413845661.